The following is an entry in ClinVar:

ClinVar aggregate classification (germline): Uncertain significance (1 of 4 stars; one submission).

Conditions:
CNGB1-related disorder. Also called: CNGB1-related condition.

gnomAD v4.1: 2 of 1,613,954 alleles (0.00012%); highest among the groups gnomAD compares: Non-Finnish European, 0.00017%; no homozygotes.

Submission:

PreventionGenetics, part of Exact Sciences
Classification: Uncertain significance for CNGB1-related condition. Last evaluated: 2025-11-03. Review status: criteria provided, single submitter. Criteria: ACMG Guidelines, 2015. Collection method: clinical testing. Allele origin: germline.
Comment: The CNGB1 c.3107T>C variant is predicted to result in the amino acid substitution p.Val1036Ala. To our knowledge, this variant has not been reported in the literature or in a large population database (gnomAD), indicating this variant is rare. At this time, the clinical significance of this variant is uncertain due to the absence of conclusive functional and genetic evidence.

NM_001297.5(CNGB1):c.3107T>C (p.Val1036Ala)

Gene: CNGB1 (cyclic nucleotide gated channel subunit beta 1; minus strand). Cytogenetic location: 16q21.
Variant type: single nucleotide variant.
Coding change: c.3107T>C on transcript NM_001297.5 (MANE Select); coding-DNA position 3107, T replaced by C.
Protein change: p.Val1036Ala; replaces valine 1036 with alanine.
Molecular consequence: missense variant.
Genome position (GRCh38, 1-based): chr16:57,897,532, A>G on the plus strand (T>C on the coding strand, the complement: CNGB1 is on the minus strand). VCF-style: chr16-57897532-A-G. GRCh37 (hg19) VCF-style: chr16-57931436-A-G.
Other names: c.3089T>C, p.Val1030Ala (NM_001286130.2); short protein forms V1036A, V1030A.
Identifiers: ClinVar variation 4986590 (VCV004986590.1).